The following is an entry in ClinVar:

ClinVar aggregate classification (germline): Pathogenic (1 of 4 stars; one submission).

gnomAD v4.1: 1 of 1,612,580 alleles (0.000062%); highest among the groups gnomAD compares: Non-Finnish European, 0.000085%; no homozygotes.

Submission:

Labcorp Genetics (formerly Invitae), Labcorp
Classification: Pathogenic. Last evaluated: 2025-10-26. Review status: criteria provided, single submitter. Criteria: Invitae Variant Classification Sherloc (09022015). Collection method: clinical testing. Allele origin: germline.
Comment: This sequence change creates a premature translational stop signal (p.Lys667*) in the NBAS gene. It is expected to result in an absent or disrupted protein product. Loss-of-function variants in NBAS are known to be pathogenic (PMID: 26073778, 26541327, 27789416, 28031453). This variant is not present in population databases (gnomAD no frequency). This variant has not been reported in the literature in individuals affected with NBAS-related conditions. Algorithms developed to predict the effect of sequence changes on RNA splicing suggest that this variant may disrupt the consensus splice site. For these reasons, this variant has been classified as Pathogenic.

Literature cited by the submitters: PubMed 26073778; PubMed 26541327; PubMed 27789416; PubMed 28031453.

NM_015909.4(NBAS):c.1999A>T (p.Lys667Ter)

Gene: NBAS (NBAS subunit of NRZ tethering complex; minus strand). Cytogenetic location: 2p24.3.
Variant type: single nucleotide variant.
Coding change: c.1999A>T on transcript NM_015909.4 (MANE Select); coding-DNA position 1999, A replaced by T.
Protein change: p.Lys667Ter; replaces lysine 667 with a stop codon.
Molecular consequence: nonsense. On other transcripts: non-coding transcript variant (1).
Genome position (GRCh38, 1-based): chr2:15,467,683, T>A on the plus strand (A>T on the coding strand, the complement: NBAS is on the minus strand). VCF-style: chr2-15467683-T-A. GRCh37 (hg19) VCF-style: chr2-15607807-T-A.
Other names: short protein forms K667*.
Identifiers: ClinVar variation 4729890 (VCV004729890.1).